The following is an entry in ClinVar:

NM_021831.6(AGBL5):c.2114G>A (p.Arg705Gln)

Gene: AGBL5 (AGBL carboxypeptidase 5; plus strand). Cytogenetic location: 2p23.3.
Variant type: single nucleotide variant.
Coding change: c.2114G>A on transcript NM_021831.6 (MANE Select); coding-DNA position 2114, G replaced by A.
Protein change: p.Arg705Gln; replaces arginine 705 with glutamine.
Molecular consequence: missense variant. On other transcripts: non-coding transcript variant (2).
Genome position (GRCh38, 1-based): chr2:27,067,518, G>A. VCF-style: chr2-27067518-G-A. GRCh37 (hg19) VCF-style: chr2-27290386-G-A.
Other names: c.2114G>A (NM_021831.5); short protein forms R705Q.
Identifiers: ClinVar variation 1492409 (VCV001492409.6), dbSNP rs768662881, ClinGen allele CA1568101.

ClinVar aggregate classification (germline): Uncertain significance. Review status: criteria provided, multiple submitters, no conflicts (2 of 4 stars). 4 submissions from 4 submitters: Uncertain significance (4). Last evaluated 2025-11-23.

Conditions:
Retinal dystrophy. Also called: Inherited retinal dystrophy. Identifiers: Orphanet 71862, MedGen C0854723, MeSH D058499, MONDO:0019118, HP:0000556.
Inborn genetic diseases. Identifiers: MedGen C0950123, MeSH D030342.

Allele frequency attached by ClinVar (database versions not stated): ExAC 0.00001; gnomAD exomes 0.00001 and 0.00003; gnomAD 0.00002 and 0.00003; TOPMed 0.00004.
gnomAD v4.1: 26 of 1,613,924 alleles (0.0016%); highest among the groups gnomAD compares: Admixed American, 0.017%; no homozygotes.

Submissions (4):

Ambry Genetics
Classification: Uncertain significance for Inborn genetic diseases. Last evaluated: 2025-11-23. Review status: criteria provided, single submitter. Criteria: Ambry Variant Classification Scheme 2023. Collection method: clinical testing. Allele origin: germline.

Blueprint Genetics
Classification: Uncertain significance. Last evaluated: 2024-07-16. Review status: criteria provided, single submitter. Criteria: ACMG Guidelines, 2015. Collection method: clinical testing. Allele origin: germline.

Dept Of Ophthalmology, Nagoya University
Classification: Uncertain significance for Retinal dystrophy. Last evaluated: 2023-10-01. Review status: criteria provided, single submitter. Criteria: Submitter's publication. Collection method: research. Allele origin: germline. Affected: yes.

Labcorp Genetics (formerly Invitae), Labcorp
Classification: Uncertain significance. Last evaluated: 2022-05-29. Review status: criteria provided, single submitter. Criteria: Invitae Variant Classification Sherloc (09022015). Collection method: clinical testing. Allele origin: germline.
Comment: This sequence change replaces arginine, which is basic and polar, with glutamine, which is neutral and polar, at codon 705 of the AGBL5 protein (p.Arg705Gln). This variant is present in population databases (rs768662881, gnomAD 0.01%). This variant has not been reported in the literature in individuals affected with AGBL5-related conditions. ClinVar contains an entry for this variant (Variation ID: 1492409). Algorithms developed to predict the effect of missense changes on protein structure and function output the following: SIFT: "Tolerated"; PolyPhen-2: "Benign"; Align-GVGD: "Class C0". The glutamine amino acid residue is found in multiple mammalian species, which suggests that this missense change does not adversely affect protein function. In summary, the available evidence is currently insufficient to determine the role of this variant in disease. Therefore, it has been classified as a Variant of Uncertain Significance.